The following is an entry in ClinVar:

NM_001903.5(CTNNA1):c.1748-18G>C

Gene: CTNNA1 (catenin alpha 1; plus strand). Cytogenetic location: 5q31.2.
Variant type: single nucleotide variant.
Coding change: c.1748-18G>C on transcript NM_001903.5 (MANE Select); 18 bases into the intron before coding-DNA position 1748, G replaced by C.
Molecular consequence: intron variant.
Genome position (GRCh38, 1-based): chr5:138,925,238, G>C. VCF-style: chr5-138925238-G-C. GRCh37 (hg19) VCF-style: chr5-138260927-G-C.
Other names: c.1748-18G>C (NM_001323982.2, NM_001323984.2, NM_001290307.3 and 2 more transcripts); c.1655-18G>C (NM_001323986.2); c.1379-18G>C (NM_001290310.3); c.1439-18G>C (NM_001290309.3); c.638-18G>C (NM_001323996.1, NM_001323993.1, NM_001324005.1 and 17 more transcripts); c.299-18G>C (NM_001324007.1, NM_001324009.1, NM_001324006.1 and 2 more transcripts); c.395-18G>C (NM_001324013.1, NM_001324012.1); c.545-18G>C (NM_001324011.1).
Identifiers: ClinVar variation 3773371 (VCV003773371.1).

ClinVar aggregate classification (germline): Likely benign (1 of 4 stars; one submission).

Conditions:
Hereditary diffuse gastric adenocarcinoma (HDGC). Also called: DIFFUSE GASTRIC AND LOBULAR BREAST CANCER SYNDROME. Identifiers: Orphanet 26106, MedGen C1708349, MONDO:0007648, OMIM 137215.

Submission:

Myriad Genetics, Inc.
Classification: Likely benign for Hereditary diffuse gastric adenocarcinoma. Last evaluated: 2024-10-14. Review status: criteria provided, single submitter. Criteria: Myriad Autosomal Dominant, Autosomal Recessive and X-Linked Classification Criteria (2023). Collection method: clinical testing. Allele origin: unknown.
Comment: This variant is considered likely benign. This variant is intronic and is not expected to impact mRNA splicing.